The following is an entry in ClinVar:

ClinVar aggregate classification (germline): Benign/Likely benign. Review status: criteria provided, multiple submitters, no conflicts (2 of 4 stars). 3 submissions from 3 submitters: Benign (1); Likely benign (2). Last evaluated 2024-02-29.

Conditions:
Hereditary cancer-predisposing syndrome. Also called: Hereditary Cancer Syndrome; Neoplastic Syndromes, Hereditary; Hereditary neoplastic syndrome; Tumor predisposition. Identifiers: Orphanet 140162, MedGen C0027672, MeSH D009386, MONDO:0015356.
Familial adenomatous polyposis 1 (FAP1). Also called: FAMILIAL ADENOMATOUS POLYPOSIS 1, ATTENUATED; POLYPOSIS, ADENOMATOUS INTESTINAL. Identifiers: MedGen C2713442, MONDO:0021056, OMIM 175100. Disease mechanism: loss of function.

Submissions (3):

Myriad Genetics, Inc.
Classification: Benign for Familial adenomatous polyposis 1. Last evaluated: 2024-02-29. Review status: criteria provided, single submitter. Criteria: Myriad Autosomal Dominant, Autosomal Recessive and X-Linked Classification Criteria (2023). Collection method: clinical testing. Allele origin: unknown.
Comment: This variant is considered benign. This variant is a silent/synonymous amino acid change and it is not expected to impact splicing.

Labcorp Genetics (formerly Invitae), Labcorp
Classification: Likely benign for Familial adenomatous polyposis 1. Last evaluated: 2019-12-31. Review status: criteria provided, single submitter. Criteria: Invitae Variant Classification Sherloc (09022015). Collection method: clinical testing. Allele origin: germline.

Ambry Genetics
Classification: Likely benign for Hereditary cancer-predisposing syndrome. Last evaluated: 2019-06-28. Review status: criteria provided, single submitter. Criteria: Ambry Variant Classification Scheme 2023. Collection method: clinical testing. Allele origin: germline.

NM_000038.6(APC):c.960A>G (p.Ser320=)

Gene: APC (APC regulator of Wnt signaling pathway; plus strand). Cytogenetic location: 5q22.2.
Variant type: single nucleotide variant.
Coding change: c.960A>G on transcript NM_000038.6 (MANE Select); coding-DNA position 960, A replaced by G.
Protein change: p.Ser320=; no amino-acid change (serine 320 retained).
Molecular consequence: synonymous variant. On other transcripts: intron variant (4).
Genome position (GRCh38, 1-based): chr5:112,818,992, A>G. VCF-style: chr5-112818992-A-G. GRCh37 (hg19) VCF-style: chr5-112154689-A-G.
Other names: c.960A>G, p.Ser320= (NM_001127510.3, NM_001354895.2, NM_001354896.2); c.906A>G, p.Ser302= (NM_001127511.3); c.990A>G, p.Ser330= (NM_001354897.2); c.885A>G, p.Ser295= (NM_001354898.2); c.876A>G, p.Ser292= (NM_001354899.2); c.783A>G, p.Ser261= (NM_001354900.2, NM_001354901.2); c.111A>G, p.Ser37= (NM_001354906.2); c.964-277A>G (NM_001354902.2); and 3 more.
Identifiers: ClinVar variation 698810 (VCV000698810.6), dbSNP rs1580527718, ClinGen allele CA445755756.
Genomic context (GRCh38, chr5:112,818,992, plus strand): 5'-CGTAATTTTGTTTCTAAACTCATTTGGCCCACAGGTGGAAATGGTGTATTCATTGTTGTC[A>G]ATGCTTGGTACTCATGATAAGGATGATATGTCGCGAACTTTGCTAGCTATGTCTAGCTCC-3'
Protein context (NP_000029.2, residues 310-330): TKVEMVYSLL[Ser320=]MLGTHDKDDM